The following is an entry in ClinVar:

ClinVar aggregate classification (germline): Uncertain significance (1 of 4 stars; one submission).

Submission:

Labcorp Genetics (formerly Invitae), Labcorp
Classification: Uncertain significance. Last evaluated: 2022-11-01. Review status: criteria provided, single submitter. Criteria: Invitae Variant Classification Sherloc (09022015). Collection method: clinical testing. Allele origin: germline.
Comment: In summary, the available evidence is currently insufficient to determine the role of this variant in disease. Therefore, it has been classified as a Variant of Uncertain Significance. Algorithms developed to predict the effect of missense changes on protein structure and function are either unavailable or do not agree on the potential impact of this missense change (SIFT: "Deleterious"; PolyPhen-2: "Probably Damaging"; Align-GVGD: "Class C0"). This variant has not been reported in the literature in individuals affected with USP9X-related conditions. This variant is not present in population databases (gnomAD no frequency). This sequence change replaces alanine, which is neutral and non-polar, with valine, which is neutral and non-polar, at codon 688 of the USP9X protein (p.Ala688Val).

NM_001039591.3(USP9X):c.2063C>T (p.Ala688Val)

Gene: USP9X (ubiquitin specific peptidase 9 X-linked; plus strand). Cytogenetic location: Xp11.4.
Variant type: single nucleotide variant.
Coding change: c.2063C>T on transcript NM_001039591.3 (MANE Select); coding-DNA position 2063, C replaced by T.
Protein change: p.Ala688Val; replaces alanine 688 with valine.
Molecular consequence: missense variant.
Genome position (GRCh38, 1-based): chrX:41,165,949, C>T. VCF-style: chrX-41165949-C-T. GRCh37 (hg19) VCF-style: chrX-41025202-C-T.
Other names: c.2063C>T, p.Ala688Val (NM_001039590.3); c.2078C>T, p.Ala693Val (NM_001410748.1, NM_001410749.1); short protein forms A688V, A693V.
Identifiers: ClinVar variation 1718279 (VCV001718279.5), dbSNP rs2062675592, ClinGen allele CA412752491.